The following is an entry in ClinVar:

ClinVar aggregate classification (germline): Benign (1 of 4 stars; one submission).

Allele frequency attached by ClinVar (database versions not stated): 1000 Genomes Project 30x 0.11493; 1000 Genomes Project 0.11621; gnomAD 0.13021 and 0.13309; TOPMed 0.13123.
gnomAD v4.1: 19,784 of 152,060 alleles (13%); highest among the groups gnomAD compares: African/African-American, 16%; 1,303 homozygotes.

Submission:

GeneDx
Classification: Benign. Last evaluated: 2018-06-19. Review status: criteria provided, single submitter. Criteria: GeneDx Variant Classification (06012015). Collection method: clinical testing. Allele origin: germline. Affected: yes.
Comment: This variant is considered likely benign or benign based on one or more of the following criteria: it is a conservative change, it occurs at a poorly conserved position in the protein, it is predicted to be benign by multiple in silico algorithms, and/or has population frequency not consistent with disease.

NM_001347721.2(DYRK1A):c.301-212G>A

Gene: DYRK1A (dual specificity tyrosine phosphorylation regulated kinase 1A; plus strand). Cytogenetic location: 21q22.13.
Variant type: single nucleotide variant.
Coding change: c.301-212G>A on transcript NM_001347721.2 (MANE Select); 212 bases into the intron before coding-DNA position 301, G replaced by A.
Molecular consequence: intron variant.
Genome position (GRCh38, 1-based): chr21:37,480,426, G>A. VCF-style: chr21-37480426-G-A. GRCh37 (hg19) VCF-style: chr21-38852728-G-A.
Other names: c.328-212G>A (NM_001396.5, NM_101395.2, NM_130438.2); c.301-212G>A (NM_001347722.2, NM_130436.2); c.214-212G>A (NM_001347723.2).
Identifiers: ClinVar variation 681325 (VCV000681325.1), dbSNP rs2298330, ClinGen allele CA320476655.